The following is an entry in ClinVar:

NM_004444.5(EPHB4):c.2678+10G>A

Genes: EPHB4 (EPH receptor B4; minus strand), LOC126860124 (CDK7 strongly-dependent group 2 enhancer GRCh37_chr7:100403701-100404900; plus strand). Cytogenetic location: 7q22.1.
Variant type: single nucleotide variant.
Coding change: c.2678+10G>A on transcript NM_004444.5 (MANE Select); 10 bases into the intron after coding-DNA position 2678, G replaced by A.
Molecular consequence: intron variant.
Genome position (GRCh38, 1-based): chr7:100,805,491, C>T on the plus strand (G>A on the coding strand, the complement: EPHB4 is on the minus strand). VCF-style: chr7-100805491-C-T. GRCh37 (hg19) VCF-style: chr7-100403113-C-T.
Other names: c.2678+10G>A (NM_004444.4).
Identifiers: ClinVar variation 2169900 (VCV002169900.5), dbSNP rs373047132, ClinGen allele CA4392578.
Genomic context (GRCh38, chr7:100,805,491, plus strand): 5'-GAACGGACACTTCTGGGCAAGGAGTGGGGGCAGAGAGCGGGAAGGAGGGCCCATTCTCTG[C>T]AGTCCTCACCCGCCATTCTCCCGGGCCACGATTTTGAGGCTGGCGGGGTTCCGGATCATC-3'

ClinVar aggregate classification (germline): Likely benign. Review status: criteria provided, multiple submitters, no conflicts (2 of 4 stars). 2 submissions from 2 submitters: Likely benign (2). Last evaluated 2026-04-13.

Conditions:
EPHB4-related disorder. Also called: EPHB4-related condition; EPHB4-related disorders.

Allele frequency attached by ClinVar (database versions not stated): ExAC 0.00008; ESP Exome Variant Server 0.00008; TOPMed 0.00008; gnomAD 0.00009; gnomAD exomes 0.00017; 1000 Genomes Project 30x 0.00031.

Submissions (2):

PreventionGenetics, part of Exact Sciences
Classification: Likely benign for EPHB4-related condition. Last evaluated: 2026-04-13. Review status: criteria provided, single submitter. Criteria: ACMG Guidelines, 2015. Collection method: clinical testing. Allele origin: germline.
Comment: This variant is classified as likely benign based on ACMG/AMP sequence variant interpretation guidelines (Richards et al. 2015 PMID: 25741868, with internal and published modifications).

Labcorp Genetics (formerly Invitae), Labcorp
Classification: Likely benign. Last evaluated: 2025-02-19. Review status: criteria provided, single submitter. Criteria: Invitae Variant Classification Sherloc (09022015). Collection method: clinical testing. Allele origin: germline.